The following is an entry in ClinVar:

ClinVar aggregate classification (germline): Uncertain significance (1 of 4 stars; one submission).

Conditions:
X-linked agammaglobulinemia with growth hormone deficiency (IGHD3). Also called: ISOLATED GROWTH HORMONE DEFICIENCY, TYPE III, WITH AGAMMAGLOBULINEMIA; FLEISHER SYNDROME; HYPOGAMMAGLOBULINEMIA AND ISOLATED GROWTH HORMONE DEFICIENCY, X-LINKED; IGHD III; AGAMMAGLOBULINEMIA AND ISOLATED GROWTH HORMONE DEFICIENCY, X-LINKED; Isolated growth hormone deficiency type 3. Identifiers: Orphanet 231692, Orphanet 631, MedGen C0472813, MONDO:0010615, OMIM 307200.

Submission:

Labcorp Genetics (formerly Invitae), Labcorp
Classification: Uncertain significance for X-linked agammaglobulinemia with growth hormone deficiency. Last evaluated: 2018-10-11. Review status: criteria provided, single submitter. Criteria: Invitae Variant Classification Sherloc (09022015). Collection method: clinical testing. Allele origin: germline.
Comment: This sequence change replaces tryptophan with cysteine at codon 581 of the BTK protein (p.Trp581Cys). The tryptophan residue is highly conserved and there is a large physicochemical difference between tryptophan and cysteine. This variant is not present in population databases (ExAC no frequency). This variant has not been reported in the literature in individuals with BTK-related disease. Algorithms developed to predict the effect of missense changes on protein structure and function (SIFT, PolyPhen-2, Align-GVGD) all suggest that this variant is likely to be disruptive, but these predictions have not been confirmed by published functional studies and their clinical significance is uncertain. In summary, the available evidence is currently insufficient to determine the role of this variant in disease. Therefore, it has been classified as a Variant of Uncertain Significance.

NM_000061.3(BTK):c.1743G>T (p.Trp581Cys)

Gene: BTK (Bruton tyrosine kinase; minus strand). Cytogenetic location: Xq22.1.
Variant type: single nucleotide variant.
Coding change: c.1743G>T on transcript NM_000061.3 (MANE Select); coding-DNA position 1743, G replaced by T.
Protein change: p.Trp581Cys; replaces tryptophan 581 with cysteine.
Molecular consequence: missense variant.
Genome position (GRCh38, 1-based): chrX:101,353,877, C>A on the plus strand (G>T on the coding strand, the complement: BTK is on the minus strand). VCF-style: chrX-101353877-C-A. GRCh37 (hg19) VCF-style: chrX-100608865-C-A.
Other names: c.1845G>T, p.Trp615Cys (NM_001287344.2); c.1215G>T, p.Trp405Cys (NM_001287345.2); short protein forms W405C, W615C, W581C.
Identifiers: ClinVar variation 644807 (VCV000644807.9), dbSNP rs1603002341, ClinGen allele CA413919969.